The following is an entry in ClinVar:

NM_001298.3(CNGA3):c.1231del (p.Ala411fs)

Gene: CNGA3 (cyclic nucleotide gated channel subunit alpha 3; plus strand). Cytogenetic location: 2q11.2.
Variant type: Deletion.
Coding change: c.1231del on transcript NM_001298.3 (MANE Select); coding-DNA position 1231, one base deleted (G; older notation c.1231delG).
Protein change: p.Ala411fs; shifts the reading frame from alanine 411.
Molecular consequence: frameshift variant.
Genome position (GRCh38, 1-based): chr2:98,396,401, G deleted; the last of 3 consecutive G bases (chr2:98,396,399-98,396,401); deleting any one gives the same sequence. VCF-style (leftmost placement, unchanged base first): chr2-98396398-CG-C. GRCh37 (hg19) VCF-style: chr2-99012861-CG-C.
Other names: c.1177del, p.Ala393fs (NM_001079878.2); short protein forms A411fs, A393fs.
Identifiers: ClinVar variation 3258069 (VCV003258069.3).

ClinVar aggregate classification (germline): Pathogenic. Review status: criteria provided, multiple submitters, no conflicts (2 of 4 stars). 2 submissions from 2 submitters: Pathogenic (2). Last evaluated 2024-08-06.

Conditions:
Achromatopsia 2 (ACHM2). Also called: COLORBLINDNESS, TOTAL; ROD MONOCHROMACY 2; ROD MONOCHROMATISM 2. Identifiers: Orphanet 49382, MedGen C1857618, MONDO:0009003, OMIM 216900.

Submissions (2):

Institute of Medical Genetics and Applied Genomics, University Hospital Tübingen
Classification: Pathogenic for Achromatopsia 2. Last evaluated: 2024-08-06. Review status: criteria provided, single submitter. Criteria: ACMG Guidelines, 2015. Collection method: clinical testing. Allele origin: germline. Inheritance: Autosomal recessive inheritance. Affected: yes.

Labcorp Genetics (formerly Invitae), Labcorp
Classification: Pathogenic. Last evaluated: 2024-07-08. Review status: criteria provided, single submitter. Criteria: Invitae Variant Classification Sherloc (09022015). Collection method: clinical testing. Allele origin: germline.
Comment: This sequence change creates a premature translational stop signal (p.Ala411Glnfs*54) in the CNGA3 gene. While this is not anticipated to result in nonsense mediated decay, it is expected to disrupt the last 284 amino acid(s) of the CNGA3 protein. This variant is not present in population databases (gnomAD no frequency). This variant has not been reported in the literature in individuals affected with CNGA3-related conditions. This variant disrupts a region of the CNGA3 protein in which other variant(s) (p.Arg661Ser) have been determined to be pathogenic (PMID: 24676353, 30711023; Invitae). This suggests that this is a clinically significant region of the protein, and that variants that disrupt it are likely to be disease-causing. For these reasons, this variant has been classified as Pathogenic.

Literature cited by the submitters: PubMed 24676353 (cited by Labcorp Genetics (formerly Invitae), Labcorp); PubMed 30711023 (cited by Labcorp Genetics (formerly Invitae), Labcorp).